The following is an entry in ClinVar:

NM_000540.3(RYR1):c.10187A>T (p.Asp3396Val)

Gene: RYR1 (ryanodine receptor 1; plus strand). Cytogenetic location: 19q13.2.
Variant type: single nucleotide variant.
Coding change: c.10187A>T on transcript NM_000540.3 (MANE Select); coding-DNA position 10187, A replaced by T.
Protein change: p.Asp3396Val; replaces aspartic acid 3396 with valine.
Molecular consequence: missense variant.
Genome position (GRCh38, 1-based): chr19:38,519,382, A>T. VCF-style: chr19-38519382-A-T. GRCh37 (hg19) VCF-style: chr19-39010022-A-T.
Other names: c.10187A>T, p.Asp3396Val (NM_001042723.2); short protein forms D3396V.
Identifiers: ClinVar variation 4848761 (VCV004848761.1).

ClinVar aggregate classification (germline): Uncertain significance (1 of 4 stars; one submission).

Submission:

Women's Health and Genetics/Laboratory Corporation of America, LabCorp
Classification: Uncertain significance. Last evaluated: 2026-04-28. Review status: criteria provided, single submitter. Criteria: LabCorp Variant Classification Summary - May 2015. Collection method: clinical testing. Allele origin: germline.
Comment: Variant summary: RYR1 c.10187A>T (p.Asp3396Val) results in a non-conservative amino acid change in the encoded protein sequence. Algorithms developed to predict the effect of missense changes on protein structure and function all suggest that this variant is likely to be disruptive. The variant was absent in 233166 control chromosomes. The available data on variant occurrences in the general population are insufficient to allow any conclusion about variant significance. To our knowledge, no occurrence of c.10187A>T in individuals affected with RYR1-related conditions and no experimental evidence demonstrating its impact on protein function have been reported. No submitters have cited clinical-significance assessments for this variant to ClinVar. Based on the evidence outlined above, the variant was classified as uncertain significance.